The following is an entry in ClinVar:

NM_007194.4(CHEK2):c.842A>G (p.Asn281Ser)

Gene: CHEK2 (checkpoint kinase 2; minus strand). Cytogenetic location: 22q12.1.
Variant type: single nucleotide variant.
Coding change: c.842A>G on transcript NM_007194.4 (MANE Select); coding-DNA position 842, A replaced by G.
Protein change: p.Asn281Ser; replaces asparagine 281 with serine.
Molecular consequence: missense variant.
Genome position (GRCh38, 1-based): chr22:28,710,010, T>C on the plus strand (A>G on the coding strand, the complement: CHEK2 is on the minus strand). VCF-style: chr22-28710010-T-C. GRCh37 (hg19) VCF-style: chr22-29105998-T-C.
Other names: c.971A>G, p.Asn324Ser (NM_001005735.3); c.179A>G, p.Asn60Ser (NM_001257387.3); c.641A>G, p.Asn214Ser (NM_001349956.3); c.842A>G, p.Asn281Ser (NM_145862.3); short protein forms N281S, N324S, N60S, N214S.
Identifiers: ClinVar variation 142049 (VCV000142049.30), dbSNP rs587782196, ClinGen allele CA167244.

ClinVar aggregate classification (germline): Conflicting classifications of pathogenicity. Review status: criteria provided, conflicting classifications (1 of 4 stars). 9 submissions from 9 submitters: Uncertain significance (7); Likely benign (1). 1 of the submissions does not count toward it. Last evaluated 2026-01-10.

Conditions:
Hereditary nonpolyposis colon cancer (HNPCC). Also called: Hereditary Nonpolyposis Colorectal Cancer Syndrome; Hereditary nonpolyposis colorectal cancer; Familial nonpolyposis colon cancer. Identifiers: Orphanet 443909, MedGen C1333990, MONDO:0018630. Disease mechanism: loss of function.
CHEK2-related disorder.
Hereditary cancer-predisposing syndrome. Also called: Neoplastic Syndromes, Hereditary; Tumor predisposition; Hereditary Cancer Syndrome; Hereditary neoplastic syndrome. Identifiers: Orphanet 140162, MedGen C0027672, MeSH D009386, MONDO:0015356.
Familial cancer of breast. Also called: BREAST CANCER, FAMILIAL; Hereditary breast cancer; hereditary breast carcinoma. Identifiers: Orphanet 227535, MedGen C0346153, MONDO:0016419, OMIM 114480. Disease mechanism: loss of function.

Allele frequency attached by ClinVar (database versions not stated): gnomAD exomes below 0.00001; TOPMed below 0.00001; gnomAD 0.00001.
gnomAD v4.1: 9 of 1,511,266 alleles (0.0006%); highest among the groups gnomAD compares: Middle Eastern, 0.043%; no homozygotes.

Submissions (9):

Labcorp Genetics (formerly Invitae), Labcorp
Classification: Uncertain significance for Familial cancer of breast. Last evaluated: 2026-01-10. Review status: criteria provided, single submitter. Criteria: Invitae Variant Classification Sherloc (09022015). Collection method: clinical testing. Allele origin: germline.
Comment: This sequence change replaces asparagine, which is neutral and polar, with serine, which is neutral and polar, at codon 281 of the CHEK2 protein (p.Asn281Ser). This variant is present in population databases (rs587782196, gnomAD 0.0009%). This missense change has been observed in individual(s) with breast or brain cancer (PMID: 28828701, 34326862, 37449874). ClinVar contains an entry for this variant (Variation ID: 142049). An algorithm developed to predict the effect of missense changes on protein structure and function (PolyPhen-2) suggests that this variant is likely to be tolerated. Experimental studies have shown that this missense change does not substantially affect CHEK2 function (PMID: 30851065, 37449874). In summary, the available evidence is currently insufficient to determine the role of this variant in disease. Therefore, it has been classified as a Variant of Uncertain Significance.

Ambry Genetics
Classification: Likely benign for Hereditary cancer-predisposing syndrome. Last evaluated: 2025-05-08. Review status: criteria provided, single submitter. Criteria: Ambry Variant Classification Scheme 2023. Collection method: clinical testing. Allele origin: germline.

Baylor Genetics
Classification: Uncertain significance for Familial cancer of breast. Last evaluated: 2024-03-14. Review status: criteria provided, single submitter. Criteria: ACMG Guidelines, 2015. Collection method: clinical testing. Allele origin: unknown.

Department of Pathology and Laboratory Medicine, Sinai Health System
Classification: Uncertain significance for hereditary nonpolyposis colon cancer. Last evaluated: 2023-09-26. Review status: criteria provided, single submitter. Criteria: ACMG Guidelines, 2015. Collection method: clinical testing. Allele origin: germline. Affected: no.

Color Diagnostics, LLC DBA Color Health
Classification: Uncertain significance for Hereditary cancer-predisposing syndrome. Last evaluated: 2023-02-21. Review status: criteria provided, single submitter. Criteria: ACMG Guidelines, 2015. Collection method: clinical testing. Allele origin: germline.
Comment: This missense variant replaces asparagine with serine at codon 281 of the CHEK2 protein. Computational prediction suggests that this variant may not impact protein structure and function (internally defined REVEL score threshold <= 0.5, PMID: 27666373). A functional study has shown the variant to have neutral effect on CHEK2 DNA damage repair activity in a yeast-based assay (PMID: 30851065). This variant has not been reported in individuals affected with hereditary cancer in the literature. This variant has been identified in 1/248866 chromosomes in the general population by the Genome Aggregation Database (gnomAD). The available evidence is insufficient to determine the role of this variant in disease conclusively. Therefore, this variant is classified as a Variant of Uncertain Significance.

Genetic Services Laboratory, University of Chicago
Classification: Uncertain significance. Last evaluated: 2021-04-16. Review status: criteria provided, single submitter. Criteria: ACMG Guidelines, 2015. Collection method: clinical testing. Allele origin: germline. Affected: no.
Comment: DNA sequence analysis of the CHEK2 gene demonstrated a sequence change, c.842A>G, in exon 7 that results in an amino acid change, p.Asn281Ser.This sequence change has been described in gnomAD with a population frequency of 0.0009% in the Non-Finnish European sub-population (dbSNP rs587782196). The p.Asn281Ser change affects a moderately conserved amino acid residue located in a domain of the CHEK2 protein that is known to be functional. The p.Asn281Ser substitution appears to be benign using several in-silico pathogenicity prediction tools (SIFT, PolyPhen2, Align GVGD, REVEL). This sequence change does not appear to have been previously described in patients with CHEK2-related disorders. Due to the lack of sufficient evidences, the clinical significance of the p.Asn281Ser change remains unknown at this time.

Mendelics
Classification: Uncertain significance for Familial cancer of breast. Last evaluated: 2018-07-02. Review status: criteria provided, single submitter. Criteria: Mendelics Assertion Criteria 2017. Collection method: clinical testing. Allele origin: unknown.

GeneDx
Classification: Uncertain significance. Last evaluated: 2016-02-22. Review status: criteria provided, single submitter. Criteria: GeneDx Variant Classification (06012015). Collection method: clinical testing. Allele origin: germline. Affected: yes.
Comment: This variant is denoted CHEK2 c.842A>G at the cDNA level, p.Asn281Ser (N281S) at the protein level, and results in the change of an Asparagine to a Serine (AAT>AGT). This variant has not, to our knowledge, been published in the literature as pathogenic or benign. CHEK2 Asn281Ser was not observed in approximately 6,500 individuals of European and African American ancestry in the NHLBI Exome Sequencing Project, suggesting it is not a common benign variant in these populations. Since Asparagine and Serine share similar properties, this is considered a conservative amino acid substitution. CHEK2 Asn281Ser occurs at a position that is conserved in mammals and is located in the kinase domain (Desrichard 2011, Roeb 2012). In silico analyses are inconsistent regarding the effect this variant may have on protein structure and function. Based on currently available evidence, it is unclear whether CHEK2 Asn281Ser is pathogenic or benign. We consider it to be a variant of uncertain significance.

PreventionGenetics, part of Exact Sciences
Classification: Uncertain significance for CHEK2-related condition. Last evaluated: 2024-07-31. Review status: no assertion criteria provided. Collection method: clinical testing. Allele origin: germline. Not counted in ClinVar's aggregate classification.
Comment: The CHEK2 c.842A>G variant is predicted to result in the amino acid substitution p.Asn281Ser. This missense change has been observed in individuals with brain, breast, ovarian, and gastric cancers (Table S4, Bhai et al. 2021. PubMed ID: 34326862). A functional study has shown the variant to have neutral effect on CHEK2 DNA damage repair activity in a yeast-based assay (Delimitsou et al. 2019. PubMed ID: 30851065). This variant is reported in 0.00089% of alleles in individuals of European (Non-Finnish) descent in gnomAD and is interpreted as a variant of uncertain significance in ClinVar. At this time, the clinical significance of this variant is uncertain due to the absence of conclusive functional and genetic evidence.

Literature cited by the submitters: PubMed 28828701 (cited by 3 submitters); PubMed 34326862 (cited by Labcorp Genetics (formerly Invitae), Labcorp); PubMed 37449874 (cited by Labcorp Genetics (formerly Invitae), Labcorp and Ambry Genetics); PubMed 30851065 (cited by 4 submitters).